The following is an entry in ClinVar:

ClinVar aggregate classification (germline): Uncertain significance. Review status: criteria provided, multiple submitters, no conflicts (2 of 4 stars). 2 submissions from 2 submitters: Uncertain significance (2). Last evaluated 2025-08-19.

Conditions:
Brugada syndrome. Also called: Sudden unexplained nocturnal death syndrome; Sudden unexpected nocturnal death syndrome; Sudden Unexplained Death Syndrome; Sudden Unexplained Nocturnal Death Syndrome (SUNDS). Identifiers: Orphanet 130, MedGen C1142166, MONDO:0015263.
Cardiovascular phenotype. Identifiers: MedGen CN230736.

Allele frequency attached by ClinVar (database versions not stated): gnomAD exomes below 0.00001; ExAC 0.00002.
gnomAD v4.1: 7 of 1,614,154 alleles (0.00043%); highest among the groups gnomAD compares: South Asian, 0.0033%; no homozygotes.

Submissions (2):

Ambry Genetics
Classification: Uncertain significance for Cardiovascular phenotype. Last evaluated: 2025-08-19. Review status: criteria provided, single submitter. Criteria: Ambry Variant Classification Scheme 2023. Collection method: clinical testing. Allele origin: germline.
Comment: The p.R356Q variant (also known as c.1067G>A), located in coding exon 2 of the KCNJ8 gene, results from a G to A substitution at nucleotide position 1067. The arginine at codon 356 is replaced by glutamine, an amino acid with highly similar properties. This amino acid position is conserved. In addition, this alteration is predicted to be deleterious by in silico analysis. Since supporting evidence is limited at this time, the clinical significance of this alteration remains unclear.

Labcorp Genetics (formerly Invitae), Labcorp
Classification: Uncertain significance for Brugada syndrome. Last evaluated: 2025-01-13. Review status: criteria provided, single submitter. Criteria: Invitae Variant Classification Sherloc (09022015). Collection method: clinical testing. Allele origin: germline.
Comment: This sequence change replaces arginine, which is basic and polar, with glutamine, which is neutral and polar, at codon 356 of the KCNJ8 protein (p.Arg356Gln). This variant is present in population databases (rs754575556, gnomAD 0.006%). This variant has not been reported in the literature in individuals affected with KCNJ8-related conditions. ClinVar contains an entry for this variant (Variation ID: 1782248). Invitae Evidence Modeling of protein sequence and biophysical properties (such as structural, functional, and spatial information, amino acid conservation, physicochemical variation, residue mobility, and thermodynamic stability) indicates that this missense variant is not expected to disrupt KCNJ8 protein function with a negative predictive value of 80%. In summary, the available evidence is currently insufficient to determine the role of this variant in disease. Therefore, it has been classified as a Variant of Uncertain Significance.

NM_004982.4(KCNJ8):c.1067G>A (p.Arg356Gln)

Genes: KCNJ8-AS1 (KCNJ8 antisense RNA 1; plus strand), KCNJ8 (potassium inwardly rectifying channel subfamily J member 8; minus strand). Cytogenetic location: 12p12.1.
Variant type: single nucleotide variant.
Coding change: c.1067G>A on transcript NM_004982.4 (MANE Select); coding-DNA position 1067, G replaced by A.
Protein change: p.Arg356Gln; replaces arginine 356 with glutamine.
Molecular consequence: missense variant.
Genome position (GRCh38, 1-based): chr12:21,765,931, C>T on the plus strand (G>A on the coding strand, the complement: KCNJ8 is on the minus strand). VCF-style: chr12-21765931-C-T. GRCh37 (hg19) VCF-style: chr12-21918865-C-T.
Identifiers: ClinVar variation 1782248 (VCV001782248.5), dbSNP rs754575556, ClinGen allele CA6480627.
Genomic context (GRCh38, chr12:21,765,931, plus strand): 5'-TGAGACAGTTCACTCTTTTGGAGGGTCTGAATAAGGATGGAAGGTTTCTCATCCAGCTCT[C>T]GGGCACTGCACCGTGGAGCAGCTACTTTAACAGTGTTGCCAAATTTGGAGTAATCCACAG-3'
Protein context (NP_004973.1, residues 346-366): VKVAAPRCSA[Arg356Gln]ELDEKPSILI